The following is an entry in ClinVar:

ClinVar aggregate classification (germline): Uncertain significance (1 of 4 stars; one submission).

Submission:

Labcorp Genetics (formerly Invitae), Labcorp
Classification: Uncertain significance. Last evaluated: 2022-03-31. Review status: criteria provided, single submitter. Criteria: Invitae Variant Classification Sherloc (09022015). Collection method: clinical testing. Allele origin: germline.
Comment: This sequence change replaces cysteine, which is neutral and slightly polar, with glycine, which is neutral and non-polar, at codon 230 of the RGS9BP protein (p.Cys230Gly). This variant is not present in population databases (gnomAD no frequency). This variant has not been reported in the literature in individuals affected with RGS9BP-related conditions. Algorithms developed to predict the effect of missense changes on protein structure and function are either unavailable or do not agree on the potential impact of this missense change (SIFT: "Deleterious"; PolyPhen-2: "Benign"; Align-GVGD: "Class C65"). In summary, the available evidence is currently insufficient to determine the role of this variant in disease. Therefore, it has been classified as a Variant of Uncertain Significance.

NM_207391.3(RGS9BP):c.688T>G (p.Cys230Gly)

Gene: RGS9BP (regulator of G protein signaling 9 binding protein; plus strand). Cytogenetic location: 19q13.11.
Variant type: single nucleotide variant.
Coding change: c.688T>G on transcript NM_207391.3 (MANE Select); coding-DNA position 688, T replaced by G.
Protein change: p.Cys230Gly; replaces cysteine 230 with glycine.
Molecular consequence: missense variant.
Genome position (GRCh38, 1-based): chr19:32,676,951, T>G. VCF-style: chr19-32676951-T-G. GRCh37 (hg19) VCF-style: chr19-33167857-T-G.
Other names: short protein forms C230G.
Identifiers: ClinVar variation 2119981 (VCV002119981.1), dbSNP rs2513250502, ClinGen allele CA405187783.